The following is an entry in ClinVar:

NM_199420.4(POLQ):c.4341A>C (p.Gln1447His)

Gene: POLQ (DNA polymerase theta; minus strand). Cytogenetic location: 3q13.33.
Variant type: single nucleotide variant.
Coding change: c.4341A>C on transcript NM_199420.4 (MANE Select); coding-DNA position 4341, A replaced by C.
Protein change: p.Gln1447His; replaces glutamine 1447 with histidine.
Molecular consequence: missense variant.
Genome position (GRCh38, 1-based): chr3:121,488,590, T>G on the plus strand (A>C on the coding strand, the complement: POLQ is on the minus strand). VCF-style: chr3-121488590-T-G. GRCh37 (hg19) VCF-style: chr3-121207437-T-G.
Other names: short protein forms Q1447H.
Identifiers: ClinVar variation 1739862 (VCV001739862.2), dbSNP rs2048034499, ClinGen allele CA354095358.
Genomic context (GRCh38, chr3:121,488,590, plus strand): 5'-AGTTCTCTTTTGAGGAATCAGAAGTATAACTGGTTTCACAGTTTCTTGTGTTTGATAACC[T>G]TGAAGAAAACTATTTAATTGTGAATCAGTAACAGAAACTTCATTCTTTTTTAAAAAAAGA-3'
Protein context (NP_955452.3, residues 1437-1457): VTDSQLNSFL[Gln1447His]GYQTQETVKP

ClinVar aggregate classification (germline): Uncertain significance (1 of 4 stars; one submission).

Allele frequency attached by ClinVar (database versions not stated): gnomAD 0.00001.
gnomAD v4.1: 1 of 1,608,336 alleles (0.000062%); highest among the groups gnomAD compares: Non-Finnish European, 0.000085%; no homozygotes.

Submission:

Ambry Genetics
Classification: Uncertain significance. Last evaluated: 2022-03-25. Review status: criteria provided, single submitter. Criteria: Ambry Variant Classification Scheme 2023. Collection method: clinical testing. Allele origin: germline.
Comment: The p.Q1447H variant (also known as c.4341A>C), located in coding exon 16 of the POLQ gene, results from an A to C substitution at nucleotide position 4341. The glutamine at codon 1447 is replaced by histidine, an amino acid with highly similar properties. This amino acid position is conserved. In addition, this alteration is predicted to be tolerated by in silico analysis. Since supporting evidence is limited at this time, the clinical significance of this alteration remains unclear.